The following is an entry in ClinVar:

ClinVar aggregate classification (germline): Likely benign (1 of 4 stars; one submission).

Conditions:
PMP22-related disorder. Also called: PMP22-related disorders; PMP22-related condition.

Submission:

PreventionGenetics, part of Exact Sciences
Classification: Likely benign for PMP22-related condition. Last evaluated: 2026-04-19. Review status: criteria provided, single submitter. Criteria: ACMG Guidelines, 2015. Collection method: clinical testing. Allele origin: germline.
Comment: This variant is classified as likely benign based on ACMG/AMP sequence variant interpretation guidelines (Richards et al. 2015 PMID: 25741868, with internal and published modifications).

NM_000304.4(PMP22):c.319+4181C>A

Gene: PMP22 (peripheral myelin protein 22; minus strand). Cytogenetic location: 17p12.
Variant type: single nucleotide variant.
Coding change: c.319+4181C>A on transcript NM_000304.4 (MANE Select); 4181 bases into the intron after coding-DNA position 319, C replaced by A.
Molecular consequence: intron variant.
Genome position (GRCh38, 1-based): chr17:15,235,290, G>T on the plus strand (C>A on the coding strand, the complement: PMP22 is on the minus strand). VCF-style: chr17-15235290-G-T. GRCh37 (hg19) VCF-style: chr17-15138607-G-T.
Other names: c.319+4181C>A (NM_001281456.2, NM_153321.3, NM_001281455.2 and 1 more transcripts); c.320-6C>A (NM_001330143.2).
Identifiers: ClinVar variation 4995626 (VCV004995626.1).
Genomic context (GRCh38, chr17:15,235,290, plus strand): 5'-CTCTATTCTTTCTGTTCTTAATCCCGGTAACCACACATTTGACTTGAGTTTGATTCTGCC[G>T]AGGAAACACAATTATCTAATCATCCAACCAATAATAGTTTTATTCAGGCTCCTCTATGTG-3'